The following is an entry in ClinVar:

NM_020949.3(SLC7A14):c.585C>T (p.Ile195=)

Genes: SLC7A14 (solute carrier family 7 member 14; minus strand), SLC7A14-AS1 (SLC7A14 antisense RNA 1; plus strand). Cytogenetic location: 3q26.2.
Variant type: single nucleotide variant.
Coding change: c.585C>T on transcript NM_020949.3 (MANE Select); coding-DNA position 585, C replaced by T.
Protein change: p.Ile195=; no amino-acid change (isoleucine 195 retained).
Molecular consequence: synonymous variant.
Genome position (GRCh38, 1-based): chr3:170,498,841, G>A on the plus strand (C>T on the coding strand, the complement: SLC7A14 is on the minus strand). VCF-style: chr3-170498841-G-A. GRCh37 (hg19) VCF-style: chr3-170216630-G-A.
Identifiers: ClinVar variation 1098098 (VCV001098098.11), dbSNP rs201648790, ClinGen allele CA2701881.
Genomic context (GRCh38, chr3:170,498,841, plus strand): 5'-ATTGTTGAAGCCTATGGAATTCTTCACCCCCAGAGCAACAATGATGGTCACGATGACCGC[G>A]ATCAACAGAGCCAGAAGGTCTGGGTATGATTCTTCACCTTTCCCTAGAGAGGAAAGACAT-3'
Protein context (NP_066000.2, residues 185-205): ESYPDLLALL[Ile195=]AVIVTIIVAL

ClinVar aggregate classification (germline): Likely benign. Review status: criteria provided, multiple submitters, no conflicts (2 of 4 stars). 3 submissions from 3 submitters: Likely benign (3). Last evaluated 2026-10-01.

Allele frequency attached by ClinVar (database versions not stated): gnomAD 0.00004 and 0.00005; ExAC 0.00006; gnomAD exomes 0.00006; TOPMed 0.00010; 1000 Genomes Project 30x 0.00031; 1000 Genomes Project 0.00040.

Submissions (3):

CeGaT Center for Human Genetics Tuebingen
Classification: Likely benign. Last evaluated: 2026-10-01. Review status: criteria provided, single submitter. Criteria: CeGaT Center For Human Genetics Tuebingen Variant Classification Criteria Version 2. Collection method: clinical testing. Allele origin: germline. Affected: yes. Observed: 1 variant allele.
Comment: SLC7A14: BP4, BP7

Labcorp Genetics (formerly Invitae), Labcorp
Classification: Likely benign. Last evaluated: 2026-01-26. Review status: criteria provided, single submitter. Criteria: Invitae Variant Classification Sherloc (09022015). Collection method: clinical testing. Allele origin: germline.

Blueprint Genetics
Classification: Likely benign. Last evaluated: 2024-09-23. Review status: criteria provided, single submitter. Criteria: ACMG Guidelines, 2015. Collection method: clinical testing. Allele origin: germline.